The following is an entry in ClinVar:

ClinVar aggregate classification (germline): Likely pathogenic (1 of 4 stars; one submission).

Conditions:
Developmental and epileptic encephalopathy, 32 (DEE32). Also called: Epileptic encephalopathy, early infantile, 32. Identifiers: Orphanet 442835, MedGen C4225350, MONDO:0014607, OMIM 616366.

Submission:

Institute of Human Genetics, University of Leipzig Medical Center
Classification: Likely pathogenic for Developmental and epileptic encephalopathy, 32. Last evaluated: 2025-04-29. Review status: criteria provided, single submitter. Criteria: ACMG Guidelines, 2015. Collection method: clinical testing. Allele origin: de novo. Inheritance: Autosomal dominant inheritance. Affected: yes.
Comment: Criteria applied: PS2_MOD,PM2,PM1_SUP,PP2,PP3

NM_004974.4(KCNA2):c.680C>G (p.Thr227Arg)

Gene: KCNA2 (potassium voltage-gated channel subfamily A member 2; minus strand). Cytogenetic location: 1p13.3.
Variant type: single nucleotide variant.
Coding change: c.680C>G on transcript NM_004974.4 (MANE Select); coding-DNA position 680, C replaced by G.
Protein change: p.Thr227Arg; replaces threonine 227 with arginine.
Molecular consequence: missense variant.
Genome position (GRCh38, 1-based): chr1:110,604,103, G>C on the plus strand (C>G on the coding strand, the complement: KCNA2 is on the minus strand). VCF-style: chr1-110604103-G-C. GRCh37 (hg19) VCF-style: chr1-111146725-G-C.
Other names: c.680C>G, p.Thr227Arg (NM_001204269.2); short protein forms T227R.
Identifiers: ClinVar variation 3901209 (VCV003901209.2).